The following is an entry in ClinVar:

ClinVar aggregate classification (germline): Uncertain significance (1 of 4 stars; one submission).

Conditions:
NCOA1-related disorder. Also called: NCOA1-related condition.

gnomAD v4.1: 17 of 1,613,180 alleles (0.0011%); highest among the groups gnomAD compares: African/African-American, 0.02%; no homozygotes.

Submission:

PreventionGenetics, part of Exact Sciences
Classification: Uncertain significance for NCOA1-related condition. Last evaluated: 2025-04-23. Review status: criteria provided, single submitter. Criteria: ACMG Guidelines, 2015. Collection method: clinical testing. Allele origin: germline.
Comment: The NCOA1 c.3883G>A variant is predicted to result in the amino acid substitution p.Val1295Met. To our knowledge, this variant has not been reported in the literature. This variant is reported in 0.020% of alleles in individuals of African descent in gnomAD. At this time, the clinical significance of this variant is uncertain due to the absence of conclusive functional and genetic evidence.

NM_003743.5(NCOA1):c.3883G>A (p.Val1295Met)

Gene: NCOA1 (nuclear receptor coactivator 1; plus strand). Cytogenetic location: 2p23.3.
Variant type: single nucleotide variant.
Coding change: c.3883G>A on transcript NM_003743.5 (MANE Select); coding-DNA position 3883, G replaced by A.
Protein change: p.Val1295Met; replaces valine 1295 with methionine.
Molecular consequence: missense variant.
Genome position (GRCh38, 1-based): chr2:24,757,974, G>A. VCF-style: chr2-24757974-G-A. GRCh37 (hg19) VCF-style: chr2-24980843-G-A.
Other names: c.3883G>A, p.Val1295Met (NM_001362950.1, NM_001362952.1, NM_001362954.1 and 3 more transcripts); short protein forms V1295M.
Identifiers: ClinVar variation 4978296 (VCV004978296.1).
Genomic context (GRCh38, chr2:24,757,974, plus strand): 5'-TCATATATCCCCTTGTTCATGATCAGTGGATGTAATCTGGATTGTTTTTGAGTTTACAGT[G>A]TGTTCAGTCAAGCTGTCCAGAACCAGCCCACGCCTGCACAGCCAGGAGTATACAACAACA-3'
Protein context (NP_003734.3, residues 1285-1305): WQQGAIGNNN[Val1295Met]FSQAVQNQPT